The following is an entry in ClinVar:

ClinVar aggregate classification (germline): Uncertain significance (1 of 4 stars; one submission).

Conditions:
Charcot-Marie-Tooth disease type 4. Also called: Charcot-Marie-Tooth disease, type IV; Charcot-Marie-Tooth, Type 4. Identifiers: Orphanet 64749, MedGen C4082197, MONDO:0018995.

Submission:

Labcorp Genetics (formerly Invitae), Labcorp
Classification: Uncertain significance for Charcot-Marie-Tooth disease type 4. Last evaluated: 2022-04-01. Review status: criteria provided, single submitter. Criteria: Invitae Variant Classification Sherloc (09022015). Collection method: clinical testing. Allele origin: germline.
Comment: In summary, the available evidence is currently insufficient to determine the role of this variant in disease. Therefore, it has been classified as a Variant of Uncertain Significance. Algorithms developed to predict the effect of missense changes on protein structure and function are either unavailable or do not agree on the potential impact of this missense change (SIFT: "Tolerated"; PolyPhen-2: "Possibly Damaging"; Align-GVGD: "Class C0"). This variant has not been reported in the literature in individuals affected with PRX-related conditions. This variant is not present in population databases (gnomAD no frequency). This sequence change replaces glutamic acid, which is acidic and polar, with glycine, which is neutral and non-polar, at codon 1085 of the PRX protein (p.Glu1085Gly).

NM_181882.3(PRX):c.3254A>G (p.Glu1085Gly)

Gene: PRX (periaxin; minus strand). Cytogenetic location: 19q13.2.
Variant type: single nucleotide variant.
Coding change: c.3254A>G on transcript NM_181882.3 (MANE Select); coding-DNA position 3254, A replaced by G.
Protein change: p.Glu1085Gly; replaces glutamic acid 1085 with glycine.
Molecular consequence: missense variant. On other transcripts: 3 prime UTR variant (1).
Genome position (GRCh38, 1-based): chr19:40,395,098, T>C on the plus strand (A>G on the coding strand, the complement: PRX is on the minus strand). VCF-style: chr19-40395098-T-C. GRCh37 (hg19) VCF-style: chr19-40901005-T-C.
Other names: c.3539A>G, p.Glu1180Gly (NM_001411127.1); c.*3459A>G (NM_020956.2); short protein forms E1180G, E1085G.
Identifiers: ClinVar variation 1980145 (VCV001980145.4), dbSNP rs1306829992, ClinGen allele CA405894635.